The following is an entry in ClinVar:

ClinVar aggregate classification (germline): Uncertain significance (1 of 4 stars; one submission).

Conditions:
Nance-Horan syndrome (NHS). Identifiers: Orphanet 627, MedGen C0796085, MONDO:0010545, OMIM 302350.

Allele frequency attached by ClinVar (database versions not stated): gnomAD exomes 0.00001.
gnomAD v4.1: 3 of 1,212,010 alleles (0.00025%); highest among the groups gnomAD compares: Admixed American, 0.0065%; no homozygotes.

Submission:

Labcorp Genetics (formerly Invitae), Labcorp
Classification: Uncertain significance for Nance-Horan syndrome. Last evaluated: 2022-12-07. Review status: criteria provided, single submitter. Criteria: Invitae Variant Classification Sherloc (09022015). Collection method: clinical testing. Allele origin: germline.
Comment: This sequence change replaces aspartic acid, which is acidic and polar, with histidine, which is basic and polar, at codon 690 of the NHS protein (p.Asp690His). In summary, the available evidence is currently insufficient to determine the role of this variant in disease. Therefore, it has been classified as a Variant of Uncertain Significance. Algorithms developed to predict the effect of missense changes on protein structure and function (SIFT, PolyPhen-2, Align-GVGD) all suggest that this variant is likely to be disruptive. This variant has not been reported in the literature in individuals affected with NHS-related conditions. This variant is present in population databases (no rsID available, gnomAD 0.01%), including at least one homozygous and/or hemizygous individual.

NM_001291867.2(NHS):c.2131G>C (p.Asp711His)

Gene: NHS (NHS actin remodeling regulator; plus strand). Cytogenetic location: Xp22.13.
Variant type: single nucleotide variant.
Coding change: c.2131G>C on transcript NM_001291867.2 (MANE Select); coding-DNA position 2131, G replaced by C.
Protein change: p.Asp711His; replaces aspartic acid 711 with histidine.
Molecular consequence: missense variant.
Genome position (GRCh38, 1-based): chrX:17,726,237, G>C. VCF-style: chrX-17726237-G-C. GRCh37 (hg19) VCF-style: chrX-17744357-G-C.
Other names: c.1600G>C, p.Asp534His (NM_001136024.4); c.1537G>C, p.Asp513His (NM_001291868.2); c.2068G>C, p.Asp690His (NM_198270.4); short protein forms D534H, D690H, D711H, D513H.
Identifiers: ClinVar variation 2877354 (VCV002877354.3), dbSNP rs1402296258, ClinGen allele CA412356640.